The following is an entry in ClinVar:

ClinVar aggregate classification (germline): Uncertain significance (1 of 4 stars; one submission).

Conditions:
Familial isolated arrhythmogenic right ventricular dysplasia. Identifiers: Orphanet 217656, MedGen C4274968, MONDO:0016342.

Submission:

All of Us Research Program, National Institutes of Health
Classification: Uncertain significance for Familial isolated arrhythmogenic right ventricular dysplasia. Last evaluated: 2023-06-08. Review status: criteria provided, single submitter. Criteria: ACMG Guidelines, 2015. Collection method: clinical testing. Allele origin: germline. Inheritance: Autosomal dominant inheritance. Observed: 1 variant allele, 1 heterozygote.
Comment: This missense variant replaces isoleucine with leucine at codon 24 of the DSC2 protein. Computational prediction suggests that this variant may not impact protein structure and function (internally defined REVEL score threshold <= 0.5, PMID: 27666373). To our knowledge, functional studies have not been reported for this variant. This variant has not been reported in individuals affected with DSC2-related disorders in the literature. This variant has not been identified in the general population by the Genome Aggregation Database (gnomAD). The available evidence is insufficient to determine the role of this variant in disease conclusively. Therefore, this variant is classified as a Variant of Uncertain Significance.

This study involves interpretation of variants in research participants for the purpose of population health screening. Participant phenotype was not available at the time of variant classification. Additional details can be found in publication PMID: 35346344, PMCID: PMC8962531

NM_024422.6(DSC2):c.70A>C (p.Ile24Leu)

Gene: DSC2 (desmocollin 2; minus strand). Cytogenetic location: 18q12.1.
Variant type: single nucleotide variant.
Coding change: c.70A>C on transcript NM_024422.6 (MANE Select); coding-DNA position 70, A replaced by C.
Protein change: p.Ile24Leu; replaces isoleucine 24 with leucine.
Molecular consequence: missense variant. On other transcripts: 5 prime UTR variant (2).
Genome position (GRCh38, 1-based): chr18:31,093,643, T>G on the plus strand (A>C on the coding strand, the complement: DSC2 is on the minus strand). VCF-style: chr18-31093643-T-G. GRCh37 (hg19) VCF-style: chr18-28673606-T-G.
Other names: c.-360A>C (NM_001406506.1, NM_001406507.1); c.70A>C, p.Ile24Leu (NM_004949.5); short protein forms I24L.
Identifiers: ClinVar variation 3071568 (VCV003071568.1), dbSNP rs1228372400, ClinGen allele CA402115191.